The following is an entry in ClinVar:

ClinVar aggregate classification (germline): Uncertain significance (1 of 4 stars; one submission).

Conditions:
Primary immunodeficiency with post-measles-mumps-rubella vaccine viral infection. Also called: Immunodeficiency 44. Identifiers: Orphanet 431166, MedGen C4225260, MONDO:0014715, OMIM 616636.

Allele frequency attached by ClinVar (database versions not stated): ExAC 0.00001; gnomAD 0.00001; TOPMed 0.00002; ESP Exome Variant Server 0.00008; 1000 Genomes Project 30x 0.00016; 1000 Genomes Project 0.00020.
gnomAD v4.1: 19 of 1,614,136 alleles (0.0012%); highest among the groups gnomAD compares: East Asian, 0.011%; no homozygotes.

Submission:

Labcorp Genetics (formerly Invitae), Labcorp
Classification: Uncertain significance for Primary immunodeficiency with post-measles-mumps-rubella vaccine viral infection. Last evaluated: 2019-06-19. Review status: criteria provided, single submitter. Criteria: Invitae Variant Classification Sherloc (09022015). Collection method: clinical testing. Allele origin: germline.
Comment: In summary, the available evidence is currently insufficient to determine the role of this variant in disease. Therefore, it has been classified as a Variant of Uncertain Significance. Algorithms developed to predict the effect of missense changes on protein structure and function are either unavailable or do not agree on the potential impact of this missense change (SIFT: "Tolerated"; PolyPhen-2: "Possibly Damaging"; Align-GVGD: "Class C0"). This variant has not been reported in the literature in individuals with STAT2-related conditions. This variant is present in population databases (rs201461349, ExAC 0.006%). This sequence change replaces arginine with tryptophan at codon 588 of the STAT2 protein (p.Arg588Trp). The arginine residue is moderately conserved and there is a moderate physicochemical difference between arginine and tryptophan.

NM_005419.4(STAT2):c.1762C>T (p.Arg588Trp)

Gene: STAT2 (signal transducer and activator of transcription 2; minus strand). Cytogenetic location: 12q13.3.
Variant type: single nucleotide variant.
Coding change: c.1762C>T on transcript NM_005419.4 (MANE Select); coding-DNA position 1762, C replaced by T.
Protein change: p.Arg588Trp; replaces arginine 588 with tryptophan.
Molecular consequence: missense variant.
Genome position (GRCh38, 1-based): chr12:56,346,918, G>A on the plus strand (C>T on the coding strand, the complement: STAT2 is on the minus strand). VCF-style: chr12-56346918-G-A. GRCh37 (hg19) VCF-style: chr12-56740702-G-A.
Other names: c.1750C>T, p.Arg584Trp (NM_198332.2); short protein forms R584W, R588W.
Identifiers: ClinVar variation 934908 (VCV000934908.10), dbSNP rs201461349, ClinGen allele CA6630405.